The following is an entry in ClinVar:

ClinVar aggregate classification (germline): Conflicting classifications of pathogenicity. Review status: criteria provided, conflicting classifications (1 of 4 stars). 4 submissions from 4 submitters: Uncertain significance (3); Likely benign (1). Last evaluated 2026-10-01.

Conditions:
Hereditary cancer-predisposing syndrome. Also called: Neoplastic Syndromes, Hereditary; Hereditary neoplastic syndrome; Tumor predisposition; Hereditary Cancer Syndrome. Identifiers: Orphanet 140162, MedGen C0027672, MeSH D009386, MONDO:0015356.
Ataxia-telangiectasia syndrome (AT). Also called: LOUIS-BAR SYNDROME; Cerebello-oculocutaneous telangiectasia; Immunodeficiency with ataxia telangiectasia; Ataxia-telangiectasia, complementation group D; AT, COMPLEMENTATION GROUP C; Ataxia telangiectasia (A-T). Identifiers: Orphanet 100, MedGen C0004135, MONDO:0008840, OMIM 208900.

Allele frequency attached by ClinVar (database versions not stated): gnomAD exomes below 0.00001.
gnomAD v4.1: 2 of 1,605,678 alleles (0.00012%); highest among the groups gnomAD compares: Middle Eastern, 0.017%; no homozygotes.

Submissions (4):

St. Jude Molecular Pathology, St. Jude Children's Research Hospital
Classification: Uncertain significance for Ataxia-telangiectasia syndrome. Last evaluated: 2026-10-01. Review status: criteria provided, single submitter. Criteria: St. Jude Assertion Criteria 2020. Collection method: clinical testing. Allele origin: germline.
Comment: The ATM c.1899-11C>G intronic change results in a C to G substitution at the -11 position of intron 57 of the ATM gene. Algorithms that predict the impact of sequence changes on splicing indicate that this change may impact splicing and internal RNA demonstrates activation of multiple cryptic splice sites and marked intron retention. This variant has a maximum subpopulation frequency of 0.003% in gnomAD v2.1.1. To our knowledge, this variant has not been reported in individuals with ataxia telangiectasia. In summary, the evidence currently available is insufficient to determine the clinical significance of this variant. It has therefore been classified as of uncertain significance.

Labcorp Genetics (formerly Invitae), Labcorp
Classification: Likely benign for Ataxia-telangiectasia syndrome. Last evaluated: 2025-12-17. Review status: criteria provided, single submitter. Criteria: Invitae Variant Classification Sherloc (09022015). Collection method: clinical testing. Allele origin: germline.

Color Diagnostics, LLC DBA Color Health
Classification: Uncertain significance for Hereditary cancer-predisposing syndrome. Last evaluated: 2023-02-28. Review status: criteria provided, single submitter. Criteria: ACMG Guidelines, 2015. Collection method: clinical testing. Allele origin: germline.
Comment: This variant causes a C to G nucleotide substitution at the -11 position of intron 12 of the ATM gene. Splice site prediction tools predict that this variant may have a significant impact on RNA splicing. However, this prediction has not been confirmed in RNA studies. This variant has not been reported in individuals affected with ATM-related disorders in the literature. This variant has been identified in 1/249278 chromosomes in the general population by the Genome Aggregation Database (gnomAD). The available evidence is insufficient to determine the role of this variant in disease conclusively. Therefore, this variant is classified as a Variant of Uncertain Significance.

Sema4
Classification: Uncertain significance for Hereditary cancer-predisposing syndrome. Last evaluated: 2021-07-26. Review status: criteria provided, single submitter. Criteria: Sema4 Curation Guidelines. Collection method: curation. Allele origin: germline.
Comment: The ATM c.1899-11C>G variant has not been reported in the literature to our knowledge. It was observed in 1/34502 chromosomes of the Latino subpopulation in the large and broad cohorts of the Genome Aggregation Database. The variant has not been reported in ClinVar. In silico tools suggest that the variant may potentially have an impact on splicing, though these predictions have not been confirmed by functional studies. The evidence is insufficient to meet ACMG/AMP criteria for classifying the variant as benign or pathogenic. Thus, the clinical significance of this variant is currently uncertain.

NM_000051.4(ATM):c.1899-11C>G

Gene: ATM (ATM serine/threonine kinase; plus strand). Cytogenetic location: 11q22.3.
Variant type: single nucleotide variant.
Coding change: c.1899-11C>G on transcript NM_000051.4 (MANE Select); 11 bases into the intron before coding-DNA position 1899, C replaced by G.
Molecular consequence: intron variant.
Genome position (GRCh38, 1-based): chr11:108,253,803, C>G. VCF-style: chr11-108253803-C-G. GRCh37 (hg19) VCF-style: chr11-108124530-C-G.
Other names: c.1899-11C>G (NM_001351834.2).
Identifiers: ClinVar variation 1577274 (VCV001577274.11), dbSNP rs730881282, ClinGen allele CA601695855.